The following is an entry in ClinVar:

ClinVar aggregate classification (germline): Conflicting classifications of pathogenicity. Review status: criteria provided, conflicting classifications (1 of 4 stars). 6 submissions from 6 submitters: Uncertain significance (1); Likely benign (5). Last evaluated 2026-01-13.

Conditions:
Developmental and epileptic encephalopathy, 14 (DEE14). Also called: Early infantile epileptic encephalopathy 14. Identifiers: Orphanet 293181, MedGen C3554195, MONDO:0013989, OMIM 614959.
Autosomal dominant nocturnal frontal lobe epilepsy 5. Also called: Epilepsy, nocturnal frontal lobe, 5; KCNT1-Related Epilepsy; CILIARY DYSKINESIA, PRIMARY, 28, WITHOUT SITUS INVERSUS; CILIARY DYSKINESIA, PRIMARY, 28, WITH SITUS INVERSUS. Identifiers: Orphanet 98784, MedGen C3554306, MONDO:0014002, OMIM 615005.
Inborn genetic diseases. Identifiers: MedGen C0950123, MeSH D030342.

Allele frequency attached by ClinVar (database versions not stated): ExAC 0.00004; TOPMed 0.00015; gnomAD 0.00017 and 0.00018.
gnomAD v4.1: 43 of 1,607,962 alleles (0.0027%); highest among the groups gnomAD compares: African/African-American, 0.044%; no homozygotes.

Submissions (6):

Labcorp Genetics (formerly Invitae), Labcorp
Classification: Likely benign for Autosomal dominant nocturnal frontal lobe epilepsy 5; Developmental and epileptic encephalopathy, 14. Last evaluated: 2026-01-13. Review status: criteria provided, single submitter. Criteria: Invitae Variant Classification Sherloc (09022015). Collection method: clinical testing. Allele origin: germline.

Mayo Clinic Laboratories, Mayo Clinic
Classification: Likely benign. Last evaluated: 2025-06-13. Review status: criteria provided, single submitter. Criteria: ACMG Guidelines, 2015. Collection method: clinical testing. Allele origin: germline. Observed: 1 variant allele.
Comment: BS2, BP4, BP7

Blueprint Genetics
Classification: Likely benign. Last evaluated: 2023-12-13. Review status: criteria provided, single submitter. Criteria: ACMG Guidelines, 2015. Collection method: clinical testing. Allele origin: germline.

GeneDx
Classification: Likely benign. Last evaluated: 2019-11-19. Review status: criteria provided, single submitter. Criteria: GeneDx Variant Classification Process June 2021. Collection method: clinical testing. Allele origin: germline. Affected: yes.

Ambry Genetics
Classification: Likely benign for Inborn genetic diseases. Last evaluated: 2019-11-04. Review status: criteria provided, single submitter. Criteria: Ambry Variant Classification Scheme 2023. Collection method: clinical testing. Allele origin: germline.

Eurofins Ntd Llc (ga)
Classification: Uncertain significance. Last evaluated: 2016-09-14. Review status: criteria provided, single submitter. Criteria: EGL Classification Definitions 2015. Collection method: clinical testing. Allele origin: germline. Observed: 1 variant allele, 1 heterozygote.

NM_020822.3(KCNT1):c.867C>A (p.Ile289=)

Gene: KCNT1 (potassium sodium-activated channel subfamily T member 1; plus strand). Cytogenetic location: 9q34.3.
Variant type: single nucleotide variant.
Coding change: c.867C>A on transcript NM_020822.3 (MANE Select); coding-DNA position 867, C replaced by A.
Protein change: p.Ile289=; no amino-acid change (isoleucine 289 retained).
Molecular consequence: synonymous variant.
Genome position (GRCh38, 1-based): chr9:135,759,691, C>A. VCF-style: chr9-135759691-C-A. GRCh37 (hg19) VCF-style: chr9-138651537-C-A.
Other names: p.Ile289=; c.732C>A, p.Ile244= (NM_001272003.2).
Identifiers: ClinVar variation 290416 (VCV000290416.22), dbSNP rs761045901, ClinGen allele CA5326700.